The following is an entry in ClinVar:

ClinVar aggregate classification (germline): Likely benign (1 of 4 stars; one submission).

gnomAD v4.1: 154 of 1,612,762 alleles (0.0095%); highest among the groups gnomAD compares: Non-Finnish European, 0.012%; no homozygotes.

Submission:

CeGaT Center for Human Genetics Tuebingen
Classification: Likely benign. Last evaluated: 2026-01-01. Review status: criteria provided, single submitter. Criteria: CeGaT Center For Human Genetics Tuebingen Variant Classification Criteria Version 2. Collection method: clinical testing. Allele origin: germline. Affected: yes. Observed: 1 variant allele.
Comment: HYDIN: BP4, BP7

NM_001270974.2(HYDIN):c.33G>C (p.Gly11=)

Gene: HYDIN (HYDIN axonemal central pair apparatus protein; minus strand). Cytogenetic location: 16q22.2.
Variant type: single nucleotide variant.
Coding change: c.33G>C on transcript NM_001270974.2 (MANE Select); coding-DNA position 33, G replaced by C.
Protein change: p.Gly11=; no amino-acid change (glycine 11 retained).
Molecular consequence: synonymous variant.
Genome position (GRCh38, 1-based): chr16:71,186,863, C>G on the plus strand (G>C on the coding strand, the complement: HYDIN is on the minus strand). VCF-style: chr16-71186863-C-G. GRCh37 (hg19) VCF-style: chr16-71220766-C-G.
Other names: c.114G>C, p.Gly38= (NM_001198542.1); c.84G>C, p.Gly28= (NM_001198543.1); c.33G>C, p.Gly11= (NM_017558.5).
Identifiers: ClinVar variation 4822358 (VCV004822358.4).